The following is an entry in ClinVar:

ClinVar aggregate classification (germline): Pathogenic (1 of 4 stars; one submission).

Conditions:
Familial thoracic aortic aneurysm and aortic dissection (TAAD). Also called: Thoracic aortic aneurysms and dissections. Identifiers: Orphanet 91387, MedGen C4707243, MONDO:0019625.
Marfan syndrome (MFS). Also called: Marfan syndrome, classic; Marfan syndrome type 1; Marfan's syndrome; FBN1-Related Marfan Syndrome; MARFAN SYNDROME, TYPE I. Identifiers: Orphanet 284963, Orphanet 558, MedGen C0024796, MONDO:0007947, OMIM 154700.

Submission:

Labcorp Genetics (formerly Invitae), Labcorp
Classification: Pathogenic for Marfan syndrome; Familial thoracic aortic aneurysm and aortic dissection. Last evaluated: 2019-09-19. Review status: criteria provided, single submitter. Criteria: Invitae Variant Classification Sherloc (09022015). Collection method: clinical testing. Allele origin: germline.
Comment: This sequence change replaces cysteine with tyrosine at codon 1053 of the FBN1 protein (p.Cys1053Tyr). The cysteine residue is highly conserved and there is a large physicochemical difference between cysteine and tyrosine. This variant is not present in population databases (ExAC no frequency). This variant has been observed in individual(s) with clinical features of Marfan syndrome (Invitae). In at least one individual the variant was observed to be de novo. Algorithms developed to predict the effect of missense changes on protein structure and function (SIFT, PolyPhen-2, Align-GVGD) all suggest that this variant is likely to be disruptive, but these predictions have not been confirmed by published functional studies and their clinical significance is uncertain. For these reasons, this variant has been classified as Pathogenic. This variant affects a cysteine residue in the EGF-like, TGFBP or hybrid motif domains of FBN1. Cysteine residues are believed to be involved in intramolecular disulfide bridges and have been shown to be important for FBN1 protein structure (PMID: 16905551, 19349279). In addition, missense substitutions affecting cysteine residues within these domains are significantly overrepresented among patients with Marfan syndrome (PMID: 16571647, 17701892).

Literature cited by the submitters: PubMed 16905551; PubMed 19349279; PubMed 16571647; PubMed 17701892.

NM_000138.5(FBN1):c.3158G>A (p.Cys1053Tyr)

Gene: FBN1 (fibrillin 1; minus strand). Cytogenetic location: 15q21.1.
Variant type: single nucleotide variant.
Coding change: c.3158G>A on transcript NM_000138.5 (MANE Select); coding-DNA position 3158, G replaced by A.
Protein change: p.Cys1053Tyr; replaces cysteine 1053 with tyrosine.
Molecular consequence: missense variant.
Genome position (GRCh38, 1-based): chr15:48,488,418, C>T on the plus strand (G>A on the coding strand, the complement: FBN1 is on the minus strand). VCF-style: chr15-48488418-C-T. GRCh37 (hg19) VCF-style: chr15-48780615-C-T.
Other names: short protein forms C1053Y.
Identifiers: ClinVar variation 946557 (VCV000946557.9), dbSNP rs2043528397, ClinGen allele CA392328044.